The following is an entry in ClinVar:

NM_024426.6(WT1):c.1264+3A>G

Gene: WT1 (WT1 transcription factor; minus strand). Cytogenetic location: 11p13.
Variant type: single nucleotide variant.
Coding change: c.1264+3A>G on transcript NM_024426.6 (MANE Select); 3 bases into the intron after coding-DNA position 1264, A replaced by G.
Molecular consequence: intron variant.
Genome position (GRCh38, 1-based): chr11:32,396,254, T>C on the plus strand (A>G on the coding strand, the complement: WT1 is on the minus strand). VCF-style: chr11-32396254-T-C. GRCh37 (hg19) VCF-style: chr11-32417800-T-C.
Other names: c.1090+3A>G (NM_001407050.1); c.1141+3A>G (NM_001407047.1); c.1213+3A>G (NM_001407048.1, NM_001407049.1, NM_000378.6 and 1 more transcripts); c.1258+3A>G (NM_001407044.1); c.1264+3A>G (NM_001407046.1, NM_024424.5); c.502+3A>G (NM_001407051.1); c.562+3A>G (NM_001198552.2); c.613+3A>G (NM_001198551.2); and 1 more.
Identifiers: ClinVar variation 2925475 (VCV002925475.3), dbSNP rs2494778097, ClinGen allele CA2695213663.

ClinVar aggregate classification (germline): Uncertain significance (1 of 4 stars; one submission).

Conditions:
Wilms tumor 1 (WT1). Also called: Wilms tumor, somatic. Identifiers: Orphanet 654, MedGen CN033288, MONDO:0008679, OMIM 194070.
Drash syndrome (DDS). Also called: NEPHROPATHY, WILMS TUMOR, AND GENITAL ANOMALIES; WILMS TUMOR AND PSEUDO- OR TRUE HERMAPHRODITISM. Identifiers: Orphanet 220, MedGen C0950121, MONDO:0008682, OMIM 194080.
Frasier syndrome. Identifiers: Orphanet 347, MedGen C0950122, MeSH D052159, MONDO:0007635, OMIM 136680.
11p partial monosomy syndrome (WAGR). Also called: CHROMOSOME 11p13 DELETION SYNDROME; WAGR Spectrum Disorder; WAGR syndrome; WAGR Complex. Identifiers: Orphanet 893, MedGen C0206115, MONDO:0008681, OMIM 194072.

Submission:

Labcorp Genetics (formerly Invitae), Labcorp
Classification: Uncertain significance for Wilms tumor 1; Drash syndrome; 11p partial monosomy syndrome; Frasier syndrome. Last evaluated: 2023-06-15. Review status: criteria provided, single submitter. Criteria: Invitae Variant Classification Sherloc (09022015). Collection method: clinical testing. Allele origin: germline.
Comment: In summary, the available evidence is currently insufficient to determine the role of this variant in disease. Therefore, it has been classified as a Variant of Uncertain Significance. Variants that disrupt the consensus splice site are a relatively common cause of aberrant splicing (PMID: 17576681, 9536098). Algorithms developed to predict the effect of sequence changes on RNA splicing suggest that this variant is not likely to affect RNA splicing. This variant has been observed in individual(s) with steroid resistant nephrotic syndrome (PMID: 24402088). This variant is not present in population databases (gnomAD no frequency). This sequence change falls in intron 7 of the WT1 gene. It does not directly change the encoded amino acid sequence of the WT1 protein. It affects a nucleotide within the consensus splice site.

Literature cited by the submitters: PubMed 17576681; PubMed 9536098; PubMed 24402088.